The following is an entry in ClinVar:

ClinVar aggregate classification (germline): Uncertain significance (1 of 4 stars; one submission).

Conditions:
Peroxisome biogenesis disorder 11A (Zellweger). Also called: Peroxisome biogenesis disorder 11A. Identifiers: Orphanet 912, MedGen C3554000, MONDO:0013949, OMIM 614883.

Submission:

Labcorp Genetics (formerly Invitae), Labcorp
Classification: Uncertain significance for Peroxisome biogenesis disorder 11A (Zellweger). Last evaluated: 2022-02-04. Review status: criteria provided, single submitter. Criteria: Invitae Variant Classification Sherloc (09022015). Collection method: clinical testing. Allele origin: germline.
Comment: In summary, the available evidence is currently insufficient to determine the role of this variant in disease. Therefore, it has been classified as a Variant of Uncertain Significance. Algorithms developed to predict the effect of sequence changes on RNA splicing suggest that this variant may create or strengthen a splice site. Algorithms developed to predict the effect of missense changes on protein structure and function are either unavailable or do not agree on the potential impact of this missense change (SIFT: "Tolerated"; PolyPhen-2: "Possibly Damaging"; Align-GVGD: "Class C0"). This variant has not been reported in the literature in individuals affected with PEX13-related conditions. This sequence change replaces phenylalanine, which is neutral and non-polar, with leucine, which is neutral and non-polar, at codon 381 of the PEX13 protein (p.Phe381Leu). This variant is not present in population databases (gnomAD no frequency).

NM_002618.4(PEX13):c.1143T>A (p.Phe381Leu)

Gene: PEX13 (peroxisomal biogenesis factor 13; plus strand). Cytogenetic location: 2p15.
Variant type: single nucleotide variant.
Coding change: c.1143T>A on transcript NM_002618.4 (MANE Select); coding-DNA position 1143, T replaced by A.
Protein change: p.Phe381Leu; replaces phenylalanine 381 with leucine.
Molecular consequence: missense variant.
Genome position (GRCh38, 1-based): chr2:61,048,701, T>A. VCF-style: chr2-61048701-T-A. GRCh37 (hg19) VCF-style: chr2-61275836-T-A.
Other names: short protein forms F381L.
Identifiers: ClinVar variation 1478830 (VCV001478830.8), dbSNP rs1680750260, ClinGen allele CA346950227.
Genomic context (GRCh38, chr2:61,048,701, plus strand): 5'-TAAAGGAGCCACGGTTGCTGATTCTTTGGATGAACAGGAAGCTGCCTTTGAATCTGTTTT[T>A]GTTGAAACTAATAAGGTTCCAGTTGCACCTGATTCCATTGGGAAAGATGGAGAAAAGCAA-3'
Protein context (NP_002609.1, residues 371-391): DEQEAAFESV[Phe381Leu]VETNKVPVAP